The following is an entry in ClinVar:

ClinVar aggregate classification (germline): Uncertain significance (1 of 4 stars; one submission).

Conditions:
Autosomal dominant cerebellar ataxia, deafness and narcolepsy. Also called: Autosomal Dominant Cerebellar Ataxia, Deafness, and Narcolepsy (ADCA-DN). Identifiers: Orphanet 314404, MedGen C4302668, MONDO:0011397, OMIM 604121.

Submission:

Victorian Clinical Genetics Services, Murdoch Childrens Research Institute
Classification: Uncertain significance for Autosomal dominant cerebellar ataxia, deafness and narcolepsy. Last evaluated: 2023-07-16. Review status: criteria provided, single submitter. Criteria: ACMG Guidelines, 2015. Collection method: clinical testing. Allele origin: germline. Inheritance: Autosomal dominant inheritance. Affected: yes.
Comment: Based on the classification scheme VCGS_Germline_v1.3.4, this variant is classified as VUS-3A. Following criteria are met: 0102 - Loss of function is a likely mechanism of disease in this gene and is associated with cerebellar ataxia, deafness, and narcolepsy (MIM# 604121) and hereditary sensory neuropathy, type IE (MIM# 614116). (I) 0107 - This gene is associated with autosomal dominant disease. (I) 0200 - Variant is predicted to result in a missense amino acid change from arginine to cysteine. (I) 0251 - This variant is heterozygous. (I) 0301 - Variant is absent from gnomAD (both v2 and v3). (SP) 0501 - Missense variant consistently predicted to be damaging by multiple in silico tools or highly conserved with a major amino acid change. (SP) 0603 - Missense variant in a region that is highly intolerant to missense variation (high constraint region in DECIPHER). (SP) 0705 - No comparable missense variants have previous evidence for pathogenicity. (I) 0809 - Previous evidence of pathogenicity for this variant is inconclusive. This variant has been classified as a VUS in the Deafness Variation Database. (I) 0905 - No published segregation evidence has been identified for this variant. (I) 1007 - No published functional evidence has been identified for this variant. (I) 1208 - Inheritance information for this variant is not currently available in this individual. (I) Legend: (SP) - Supporting pathogenic, (I) - Information, (SB) - Supporting benign

NM_001130823.3(DNMT1):c.4711C>T (p.Arg1571Cys)

Genes: DNMT1 (DNA methyltransferase 1; minus strand), LOC126862853 (CDK7 strongly-dependent group 2 enhancer GRCh37_chr19:10246117-10247316; plus strand). Cytogenetic location: 19p13.2.
Variant type: single nucleotide variant.
Coding change: c.4711C>T on transcript NM_001130823.3 (MANE Select); coding-DNA position 4711, C replaced by T.
Protein change: p.Arg1571Cys; replaces arginine 1571 with cysteine.
Molecular consequence: missense variant.
Genome position (GRCh38, 1-based): chr19:10,135,798, G>A on the plus strand (C>T on the coding strand, the complement: DNMT1 is on the minus strand). VCF-style: chr19-10135798-G-A. GRCh37 (hg19) VCF-style: chr19-10246474-G-A.
Other names: c.4672C>T, p.Arg1558Cys (NM_001318730.2); c.4348C>T, p.Arg1450Cys (NM_001318731.2); c.4663C>T, p.Arg1555Cys (NM_001379.4); short protein forms R1450C, R1555C, R1558C, R1571C.
Identifiers: ClinVar variation 3254757 (VCV003254757.1), dbSNP rs1461695373.
Genomic context (GRCh38, chr19:10,135,798, plus strand): 5'-GCCGGTGCTTGTCCAGGATGTTGCCGAAGAGCCGGTAGGTGTCAGGGAAGCCCTGGGAGC[G>A]GGCACACTCCCGCACGCTCACCACACGGTGCTGCTCTGGGTGGAGCACGCGGCCCTGGGG-3'
Protein context (NP_001124295.1, residues 1561-1581): HRVVSVRECA[Arg1571Cys]SQGFPDTYRL